The following is an entry in ClinVar:

ClinVar aggregate classification (germline): Pathogenic (1 of 4 stars; one submission).

Conditions:
Neurofibromatosis, type 1 (NF1). Also called: VON RECKLINGHAUSEN DISEASE; Peripheral type neurofibromatosis; NEUROFIBROMATOSIS, TYPE I, SOMATIC; Neurofibromatosis, type I. Identifiers: Orphanet 636, MedGen C0027831, MONDO:0018975, OMIM 162200. Disease mechanism: loss of function.

Submission:

Labcorp Genetics (formerly Invitae), Labcorp
Classification: Pathogenic for Neurofibromatosis, type 1. Last evaluated: 2025-03-17. Review status: criteria provided, single submitter. Criteria: Invitae Variant Classification Sherloc (09022015). Collection method: clinical testing. Allele origin: germline.
Comment: This sequence change creates a premature translational stop signal (p.Ile1804Phefs*38) in the NF1 gene. It is expected to result in an absent or disrupted protein product. Loss-of-function variants in NF1 are known to be pathogenic (PMID: 10712197, 23913538). This variant is not present in population databases (gnomAD no frequency). This variant has not been reported in the literature in individuals affected with NF1-related conditions. For these reasons, this variant has been classified as Pathogenic.

Literature cited by the submitters: PubMed 10712197; PubMed 23913538.

NM_001042492.3(NF1):c.5472del (p.Ile1825fs)

Gene: NF1 (neurofibromin 1; plus strand). Cytogenetic location: 17q11.2.
Variant type: Deletion.
Coding change: c.5472del on transcript NM_001042492.3 (MANE Select); coding-DNA position 5472, one base deleted (C; older notation c.5472delC).
Protein change: p.Ile1825fs; shifts the reading frame from isoleucine 1825.
Molecular consequence: frameshift variant.
Genome position (GRCh38, 1-based): chr17:31,327,702, C deleted. VCF-style (leftmost placement, unchanged base first): chr17-31327701-TC-T. GRCh37 (hg19) VCF-style: chr17-29654719-TC-T.
Other names: c.5409del, p.Ile1804fs (NM_000267.4); short protein forms I1804fs, I1825fs.
Identifiers: ClinVar variation 4715269 (VCV004715269.1).